The following is an entry in ClinVar:

NM_003322.6(TULP1):c.1256G>A (p.Arg419Gln)

Gene: TULP1 (TUB like protein 1; minus strand). Cytogenetic location: 6p21.31.
Variant type: single nucleotide variant.
Coding change: c.1256G>A on transcript NM_003322.6 (MANE Select); coding-DNA position 1256, G replaced by A.
Protein change: p.Arg419Gln; replaces arginine 419 with glutamine.
Molecular consequence: missense variant.
Genome position (GRCh38, 1-based): chr6:35,503,626, C>T on the plus strand (G>A on the coding strand, the complement: TULP1 is on the minus strand). VCF-style: chr6-35503626-C-T. GRCh37 (hg19) VCF-style: chr6-35471403-C-T.
Other names: c.1097G>A, p.Arg366Gln (NM_001289395.2); c.1256G>A (NM_003322.3); short protein forms R419Q, R366Q.
Identifiers: ClinVar variation 191207 (VCV000191207.17), dbSNP rs770045008, ClinGen allele CA236254.

ClinVar aggregate classification (germline): Conflicting classifications of pathogenicity. Review status: criteria provided, conflicting classifications (1 of 4 stars). 8 submissions from 8 submitters: Pathogenic (3); Likely pathogenic (2); Uncertain significance (2). 1 of the submissions does not count toward it. Last evaluated 2025-03-31.

Conditions:
Retinal dystrophy. Also called: Inherited retinal dystrophy. Identifiers: Orphanet 71862, MedGen C0854723, MeSH D058499, MONDO:0019118, HP:0000556.
Retinitis pigmentosa 14 (RP14). Also called: RETINITIS PIGMENTOSA, JUVENILE, TULP1-RELATED. Identifiers: Orphanet 791, MedGen C1838603, MONDO:0010827, OMIM 600132.
Leber congenital amaurosis 15 (LCA15). Identifiers: Orphanet 65, MedGen C3151206, MONDO:0013457, OMIM 613843.
Leber congenital amaurosis (LCA). Also called: Leber's amaurosis. Identifiers: Orphanet 65, MedGen C0339527, MeSH D057130, MONDO:0018998.
Autosomal recessive retinitis pigmentosa. Identifiers: MedGen C0339526.

Allele frequency attached by ClinVar (database versions not stated): ExAC below 0.00001; gnomAD 0.00002; TOPMed 0.00003.
gnomAD v4.1: 15 of 1,599,184 alleles (0.00094%); highest among the groups gnomAD compares: Middle Eastern, 0.016%; no homozygotes.

Submissions (8):

Women's Health and Genetics/Laboratory Corporation of America, LabCorp
Classification: Pathogenic for Leber congenital amaurosis. Last evaluated: 2025-03-31. Review status: criteria provided, single submitter. Criteria: LabCorp Variant Classification Summary - May 2015. Collection method: clinical testing. Allele origin: germline.
Comment: Variant summary: TULP1 c.1256G>A (p.Arg419Gln) results in a conservative amino acid change in the encoded protein sequence. Four of five in-silico tools predict a damaging effect of the variant on protein function. The frequency data for this variant in gnomAD is considered unreliable, as metrics indicate poor data quality at this position. c.1256G>A has been reported in the literature in multiple individuals affected with Leber Congenital Amaurosis, Usher syndrome, Retinal dystrophy or Retinitis pigmentosa (Patel_2015, Sun_2018, Xu_2020, Panneman_2023, Kiel_2024, Invitae). These data indicate that the variant is very likely to be associated with disease. To our knowledge, no experimental evidence demonstrating an impact on protein function has been reported. The following publications have been ascertained in the context of this evaluation (PMID: 31964843, 39462066, 36729443, 36819107, 26355662, 29625443, 31630094). ClinVar contains an entry for this variant (Variation ID: 191207). Based on the evidence outlined above, the variant was classified as pathogenic.

Labcorp Genetics (formerly Invitae), Labcorp
Classification: Pathogenic. Last evaluated: 2024-08-22. Review status: criteria provided, single submitter. Criteria: Invitae Variant Classification Sherloc (09022015). Collection method: clinical testing. Allele origin: germline.
Comment: This sequence change replaces arginine, which is basic and polar, with glutamine, which is neutral and polar, at codon 419 of the TULP1 protein (p.Arg419Gln). This variant is present in population databases (rs770045008, gnomAD 0.002%). This missense change has been observed in individual(s) with clinical features of inherited retinal dystrophy (PMID: 26355662, 29625443, 31630094; internal data). In at least one individual the data is consistent with being in trans (on the opposite chromosome) from a pathogenic variant. ClinVar contains an entry for this variant (Variation ID: 191207). Invitae Evidence Modeling of protein sequence and biophysical properties (such as structural, functional, and spatial information, amino acid conservation, physicochemical variation, residue mobility, and thermodynamic stability) indicates that this missense variant is expected to disrupt TULP1 protein function with a positive predictive value of 95%. This variant disrupts the p.Arg419 amino acid residue in TULP1. Other variant(s) that disrupt this residue have been determined to be pathogenic (PMID: 25342620, 26047050, 29843741; internal data). This suggests that this residue is clinically significant, and that variants that disrupt this residue are likely to be disease-causing. For these reasons, this variant has been classified as Pathogenic.

Revvity Omics, Revvity
Classification: Uncertain significance. Last evaluated: 2024-03-01. Review status: criteria provided, single submitter. Criteria: ACMG Guidelines, 2015. Collection method: clinical testing. Allele origin: germline.

Dept Of Ophthalmology, Nagoya University
Classification: Uncertain significance for Retinal dystrophy. Last evaluated: 2023-10-01. Review status: criteria provided, single submitter. Criteria: Submitter's publication. Collection method: research. Allele origin: germline. Affected: yes.

Institute of Human Genetics, Univ. Regensburg, Univ. Regensburg
Classification: Likely pathogenic for Retinal dystrophy. Last evaluated: 2012-01-01. Review status: criteria provided, single submitter. Criteria: ACMG Guidelines, 2015. Collection method: clinical testing. Allele origin: germline. Affected: yes.

Genomic Medicine Center of Excellence, King Faisal Specialist Hospital and Research Centre
Classification: Likely pathogenic. Review status: criteria provided, single submitter. Criteria: ACMG Guidelines, 2015. Collection method: research. Allele origin: germline. Affected: yes.

Juno Genomics, Hangzhou Juno Genomics, Inc
Classification: Pathogenic for Leber congenital amaurosis 15; Retinitis pigmentosa 14. Review status: criteria provided, single submitter. Criteria: ACMG Guidelines, 2015. Collection method: clinical testing. Allele origin: germline. Affected: yes.
Comment: Absent from controls (or at extremely low frequency if recessive) in Genome Aggregation Database, Exome Sequencing Project, 1000 Genomes Project, or Exome Aggregation Consortium.;Multiple lines of computational evidence support a deleterious effect on the gene or gene product (conservation, evolutionary, splicing impact, etc).;For recessive disorders, detected in trans with a pathogenic variant.;Patient's phenotype or family history is highly specific for a disease with a single genetic etiology.

Faculty of Health Sciences, Beirut Arab University
Classification: Pathogenic for Autosomal recessive Retinitis Pigmentosa. Last evaluated: 2015-09-10. Review status: no assertion criteria provided. Collection method: literature only. Allele origin: germline. Affected: yes. Observed: 1 variant allele. Not counted in ClinVar's aggregate classification.

Literature cited by the submitters: PubMed 26355662 (cited by 4 submitters); PubMed 31630094 (cited by 3 submitters); PubMed 29625443 (cited by 3 submitters); PubMed 31964843 (cited by Women's Health and Genetics/Laboratory Corporation of America, LabCorp and Institute of Human Genetics, Univ. Regensburg, Univ. Regensburg); PubMed 36819107 (cited by Women's Health and Genetics/Laboratory Corporation of America, LabCorp and Institute of Human Genetics, Univ. Regensburg, Univ. Regensburg); PubMed 36729443 (cited by Women's Health and Genetics/Laboratory Corporation of America, LabCorp); PubMed 39462066 (cited by Women's Health and Genetics/Laboratory Corporation of America, LabCorp); PubMed 25342620 (cited by Labcorp Genetics (formerly Invitae), Labcorp); PubMed 26047050 (cited by Labcorp Genetics (formerly Invitae), Labcorp); PubMed 29843741 (cited by Labcorp Genetics (formerly Invitae), Labcorp); PubMed 31589614 (cited by Institute of Human Genetics, Univ. Regensburg, Univ. Regensburg).